The following is an entry in ClinVar:

GRCh37/hg19 21q21.3-22.12(chr21:27185913-35853445)x1

Genes: ADAMTS1 (ADAM metallopeptidase with thrombospondin type 1 motif 1; minus strand), ADAMTS5 (ADAM metallopeptidase with thrombospondin type 1 motif 5; minus strand), APP (amyloid beta precursor protein; minus strand), ATP5PO (ATP synthase peripheral stalk subunit OSCP; minus strand), BACH1 (BTB domain and CNC homolog 1; plus strand) and 74 more. Cytogenetic location: 21q21.3-22.12.
Variant type: copy number loss.
Change: copy number 1 (one copy instead of two) of chr21:27,185,913-35,853,445 (8.67 Mb, GRCh37 coordinates, 1-based), cytogenetic band 21q21.3-22.12.
Identifiers: ClinVar variation 1526709 (VCV001526709.4).

ClinVar aggregate classification (germline): no classifications from unflagged records (0 of 4 stars; one submission).

Submission:

ARUP Laboratories, Cytogenetics and Genomic Microarray, ARUP Laboratories
Classification: Pathogenic. Last evaluated: 2018-10-01. Review status: flagged submission. Criteria: ARUP Cytogenomic Constitutional CNV Assertion Criteria. Collection method: clinical testing. Allele origin: germline. Observed: 1 variant allele.
ClinVar note: Notes: This submission was flagged because its interpretation of this variant conflicts with the ClinGen Gene Dosage Map curation for the gene SON.
ClinVar note: Reason: Conflict with ClinGen Gene Dosage Map